The following is an entry in ClinVar:

ClinVar aggregate classification (germline): Uncertain significance (1 of 4 stars; one submission).

Conditions:
PKHD1-related disorder. Also called: PKHD1-related condition.

Submission:

PreventionGenetics, part of Exact Sciences
Classification: Uncertain significance for PKHD1-related condition. Last evaluated: 2025-05-29. Review status: criteria provided, single submitter. Criteria: ACMG Guidelines, 2015. Collection method: clinical testing. Allele origin: germline.
Comment: The PKHD1 c.5563G>A variant is predicted to result in the amino acid substitution p.Glu1855Lys. To our knowledge, this variant has not been reported in the literature. This variant is reported in 0.011% of alleles in individuals of East Asian descent in gnomAD. At this time, the clinical significance of this variant is uncertain due to the absence of conclusive functional and genetic evidence.

NM_138694.4(PKHD1):c.5563G>A (p.Glu1855Lys)

Gene: PKHD1 (PKHD1 ciliary IPT domain containing fibrocystin/polyductin; minus strand). Cytogenetic location: 6p12.2.
Variant type: single nucleotide variant.
Coding change: c.5563G>A on transcript NM_138694.4 (MANE Select); coding-DNA position 5563, G replaced by A.
Protein change: p.Glu1855Lys; replaces glutamic acid 1855 with lysine.
Molecular consequence: missense variant.
Genome position (GRCh38, 1-based): chr6:52,017,447, C>T on the plus strand (G>A on the coding strand, the complement: PKHD1 is on the minus strand). VCF-style: chr6-52017447-C-T. GRCh37 (hg19) VCF-style: chr6-51882245-C-T.
Other names: c.5563G>A, p.Glu1855Lys (NM_170724.3); short protein forms E1855K.
Identifiers: ClinVar variation 4982936 (VCV004982936.1).